The following is an entry in ClinVar:

NM_177438.3(DICER1):c.4906G>T (p.Asp1636Tyr)

Gene: DICER1 (dicer 1, ribonuclease III; minus strand). Cytogenetic location: 14q32.13.
Variant type: single nucleotide variant.
Coding change: c.4906G>T on transcript NM_177438.3 (MANE Select); coding-DNA position 4906, G replaced by T.
Protein change: p.Asp1636Tyr; replaces aspartic acid 1636 with tyrosine.
Molecular consequence: missense variant. On other transcripts: non-coding transcript variant (6).
Genome position (GRCh38, 1-based): chr14:95,096,014, C>A on the plus strand (G>T on the coding strand, the complement: DICER1 is on the minus strand). VCF-style: chr14-95096014-C-A. GRCh37 (hg19) VCF-style: chr14-95562351-C-A.
Other names: c.4906G>T, p.Asp1636Tyr (NM_001195573.1, NM_001271282.3, NM_001291628.2 and 13 more transcripts); c.4624G>T, p.Asp1542Tyr (NM_001395686.1); c.4501G>T, p.Asp1501Tyr (NM_001395687.1, NM_001395688.1, NM_001395689.1 and 2 more transcripts); c.4339G>T, p.Asp1447Tyr (NM_001395691.1); c.3223G>T, p.Asp1075Tyr (NM_001395697.1); short protein forms D1542Y, D1075Y, D1501Y, D1636Y, D1447Y.
Identifiers: ClinVar variation 2566149 (VCV002566149.2), dbSNP rs2139840663, ClinGen allele CA390866358.

ClinVar aggregate classification (germline): Uncertain significance (1 of 4 stars; one submission).

Conditions:
Hereditary cancer-predisposing syndrome. Also called: Neoplastic Syndromes, Hereditary; Hereditary Cancer Syndrome; Hereditary neoplastic syndrome; Tumor predisposition. Identifiers: Orphanet 140162, MedGen C0027672, MeSH D009386, MONDO:0015356.

Submission:

Ambry Genetics
Classification: Uncertain significance for Hereditary cancer-predisposing syndrome. Last evaluated: 2023-03-17. Review status: criteria provided, single submitter. Criteria: Ambry Variant Classification Scheme 2023. Collection method: clinical testing. Allele origin: germline.
Comment: The p.D1636Y variant (also known as c.4906G>T), located in coding exon 22 of the DICER1 gene, results from a G to T substitution at nucleotide position 4906. The aspartic acid at codon 1636 is replaced by tyrosine, an amino acid with highly dissimilar properties. This amino acid position is conserved. In addition, the in silico prediction for this alteration is inconclusive. Since supporting evidence is limited at this time, the clinical significance of this alteration remains unclear.